The following is an entry in ClinVar:

ClinVar aggregate classification (germline): Likely benign. Review status: criteria provided, multiple submitters, no conflicts (2 of 4 stars). 3 submissions from 3 submitters: Likely benign (3). Last evaluated 2026-06-01.

Allele frequency attached by ClinVar (database versions not stated): gnomAD 0.00001 and 0.00002; gnomAD exomes 0.00002; ExAC 0.00003; TOPMed 0.00006.
gnomAD v4.1: 42 of 1,611,872 alleles (0.0026%); highest among the groups gnomAD compares: African/African-American, 0.013%; no homozygotes.

Submissions (3):

CeGaT Center for Human Genetics Tuebingen
Classification: Likely benign. Last evaluated: 2026-06-01. Review status: criteria provided, single submitter. Criteria: CeGaT Center For Human Genetics Tuebingen Variant Classification Criteria Version 2. Collection method: clinical testing. Allele origin: germline. Affected: yes. Observed: 1 variant allele.
Comment: GNB1: BP4, BP7

Labcorp Genetics (formerly Invitae), Labcorp
Classification: Likely benign. Last evaluated: 2025-11-09. Review status: criteria provided, single submitter. Criteria: Invitae Variant Classification Sherloc (09022015). Collection method: clinical testing. Allele origin: germline.

Blueprint Genetics
Classification: Likely benign. Last evaluated: 2018-10-08. Review status: criteria provided, single submitter. Criteria: ACMG Guidelines, 2015. Collection method: clinical testing. Allele origin: germline.

NM_002074.5(GNB1):c.597C>T (p.Phe199=)

Gene: GNB1 (G protein subunit beta 1; minus strand). Cytogenetic location: 1p36.33.
Variant type: single nucleotide variant.
Coding change: c.597C>T on transcript NM_002074.5 (MANE Select); coding-DNA position 597, C replaced by T.
Protein change: p.Phe199=; no amino-acid change (phenylalanine 199 retained).
Molecular consequence: synonymous variant.
Genome position (GRCh38, 1-based): chr1:1,790,497, G>A on the plus strand (C>T on the coding strand, the complement: GNB1 is on the minus strand). VCF-style: chr1-1790497-G-A. GRCh37 (hg19) VCF-style: chr1-1721936-G-A.
Other names: c.297C>T, p.Phe99= (NM_001282538.2); c.597C>T, p.Phe199= (NM_001282539.2).
Identifiers: ClinVar variation 1669565 (VCV001669565.11), dbSNP rs538188811, ClinGen allele CA531978.
Genomic context (GRCh38, chr1:1,790,497, plus strand): 5'-CCGGCACATGCCTTCTCGCACATCCCAGAGTTTGGCTGAAGCATCACAAGCACCAGAGAC[G>A]AACAGTCTGGTGTCAGGAGCAAGAGAAAGGCTCATGACATCTCCAGTGTGTCCGGTAAAC-3'
Protein context (NP_002065.1, residues 189-209): SLSLAPDTRL[Phe199=]VSGACDASAK